The following is an entry in ClinVar:

ClinVar aggregate classification (germline): Uncertain significance. Review status: criteria provided, multiple submitters, no conflicts (2 of 4 stars). 2 submissions from 2 submitters: Uncertain significance (2). Last evaluated 2023-02-10.

Conditions:
Inborn genetic diseases. Identifiers: MedGen C0950123, MeSH D030342.

Allele frequency attached by ClinVar (database versions not stated): gnomAD exomes below 0.00001; gnomAD 0.00001; TOPMed 0.00002; 1000 Genomes Project 30x 0.00031.
gnomAD v4.1: 8 of 1,609,264 alleles (0.0005%); highest among the groups gnomAD compares: South Asian, 0.0055%; no homozygotes.

Submissions (2):

Labcorp Genetics (formerly Invitae), Labcorp
Classification: Uncertain significance. Last evaluated: 2023-02-10. Review status: criteria provided, single submitter. Criteria: Invitae Variant Classification Sherloc (09022015). Collection method: clinical testing. Allele origin: germline.
Comment: This variant has not been reported in the literature in individuals affected with EPRS-related conditions. This sequence change replaces arginine, which is basic and polar, with histidine, which is basic and polar, at codon 482 of the EPRS protein (p.Arg482His). This variant is present in population databases (no rsID available, gnomAD 0.003%). Algorithms developed to predict the effect of missense changes on protein structure and function are either unavailable or do not agree on the potential impact of this missense change (SIFT: "Deleterious"; PolyPhen-2: "Probably Damaging"; Align-GVGD: "Class C0"). In summary, the available evidence is currently insufficient to determine the role of this variant in disease. Therefore, it has been classified as a Variant of Uncertain Significance.

Ambry Genetics
Classification: Uncertain significance for Inborn genetic diseases. Last evaluated: 2022-11-08. Review status: criteria provided, single submitter. Criteria: Ambry Variant Classification Scheme 2023. Collection method: clinical testing. Allele origin: germline.

NM_004446.3(EPRS1):c.1445G>A (p.Arg482His)

Gene: EPRS1 (glutamyl-prolyl-tRNA synthetase 1; minus strand). Cytogenetic location: 1q41.
Variant type: single nucleotide variant.
Coding change: c.1445G>A on transcript NM_004446.3 (MANE Select); coding-DNA position 1445, G replaced by A.
Protein change: p.Arg482His; replaces arginine 482 with histidine.
Molecular consequence: missense variant.
Genome position (GRCh38, 1-based): chr1:220,018,498, C>T on the plus strand (G>A on the coding strand, the complement: EPRS1 is on the minus strand). VCF-style: chr1-220018498-C-T. GRCh37 (hg19) VCF-style: chr1-220191840-C-T.
Other names: c.1445G>A (NM_004446.2); short protein forms R482H.
Identifiers: ClinVar variation 2993777 (VCV002993777.4), dbSNP rs995368212, ClinGen allele CA37517417.
Genomic context (GRCh38, chr1:220,018,498, plus strand): 5'-AACATACATACCTTTTTGTTAAACGCCCAGATTTTGTCCCACTCCATGTTCACGACTGAA[C>T]GTGAGGAGCCCTAAAAAACAATAACAACATGATTTTAAGGGCAAGCAGTATTAATTAGAA-3'
Protein context (NP_004437.2, residues 472-492): KQFIAAQGSS[Arg482His]SVVNMEWDKI